The following is an entry in ClinVar:

ClinVar aggregate classification (germline): Benign. Review status: criteria provided, multiple submitters, no conflicts (2 of 4 stars). 2 submissions from 2 submitters: Benign (2). Last evaluated 2026-01-28.

Conditions:
Developmental and epileptic encephalopathy, 39 (DEE39). Also called: DEVELOPMENTAL AND EPILEPTIC ENCEPHALOPATHY 39 WITH LEUKODYSTROPHY. Identifiers: Orphanet 353217, MedGen C2751855, MONDO:0013056, OMIM 612949.

Allele frequency attached by ClinVar (database versions not stated): gnomAD 0.00013 and 0.00014; TOPMed 0.00014; gnomAD exomes 0.00017; ExAC 0.00029; ESP Exome Variant Server 0.00054.
gnomAD v4.1: 139 of 1,613,514 alleles (0.0086%); highest among the groups gnomAD compares: African/African-American, 0.013%; 1 homozygote.

Submissions (2):

Labcorp Genetics (formerly Invitae), Labcorp
Classification: Benign. Last evaluated: 2026-01-28. Review status: criteria provided, single submitter. Criteria: Invitae Variant Classification Sherloc (09022015). Collection method: clinical testing. Allele origin: germline.

Centre for Mendelian Genomics, University Medical Centre Ljubljana
Classification: Benign for Developmental and epileptic encephalopathy, 39. Last evaluated: 2018-10-25. Review status: criteria provided, single submitter. Criteria: ACMG Guidelines, 2015. Collection method: clinical testing. Allele origin: unknown. Affected: yes.
Comment: This variant was classified as: Benign. The following ACMG criteria were applied in classifying this variant: BS1,BS2.

NM_003705.5(SLC25A12):c.1171+17C>G

Gene: SLC25A12 (solute carrier family 25 member 12; minus strand). Cytogenetic location: 2q31.1.
Variant type: single nucleotide variant.
Coding change: c.1171+17C>G on transcript NM_003705.5 (MANE Select); 17 bases into the intron after coding-DNA position 1171, C replaced by G.
Molecular consequence: intron variant.
Genome position (GRCh38, 1-based): chr2:171,813,322, G>C on the plus strand (C>G on the coding strand, the complement: SLC25A12 is on the minus strand). VCF-style: chr2-171813322-G-C. GRCh37 (hg19) VCF-style: chr2-172669832-G-C.
Identifiers: ClinVar variation 930679 (VCV000930679.11), dbSNP rs370591049, ClinGen allele CA1966205.